The following is an entry in ClinVar:

ClinVar aggregate classification (germline): Uncertain significance (1 of 4 stars; one submission).

Conditions:
Hyper-IgE recurrent infection syndrome 1, autosomal dominant. Also called: JOB SYNDROME; Job's Syndrome; STAT3 Hyper IgE Syndrome; Hyper-IgE recurrent infection syndrome 1; HYPER-IgE SYNDROME 1, AUTOSOMAL DOMINANT, WITH RECURRENT INFECTIONS. Identifiers: Orphanet 2314, MedGen C2936739, MONDO:0007818, OMIM 147060.
STAT3 gain of function. Identifiers: MedGen C4288261.

Allele frequency attached by ClinVar (database versions not stated): gnomAD 0.00001; gnomAD exomes 0.00001; ExAC 0.00002; ESP Exome Variant Server 0.00008; 1000 Genomes Project 0.00020; 1000 Genomes Project 30x 0.00031.
gnomAD v4.1: 9 of 1,614,060 alleles (0.00056%); highest among the groups gnomAD compares: African/African-American, 0.012%; no homozygotes.

Submission:

Labcorp Genetics (formerly Invitae), Labcorp
Classification: Uncertain significance for STAT3 gain of function; Hyper-IgE recurrent infection syndrome 1, autosomal dominant. Last evaluated: 2025-06-12. Review status: criteria provided, single submitter. Criteria: Invitae Variant Classification Sherloc (09022015). Collection method: clinical testing. Allele origin: germline.
Comment: This sequence change falls in intron 16 of the STAT3 gene. It does not directly change the encoded amino acid sequence of the STAT3 protein. This variant is present in population databases (rs200715116, gnomAD 0.03%). This variant has not been reported in the literature in individuals affected with STAT3-related conditions. ClinVar contains an entry for this variant (Variation ID: 2936349). Algorithms developed to predict the effect of sequence changes on RNA splicing suggest that this variant may disrupt the consensus splice site. In summary, the available evidence is currently insufficient to determine the role of this variant in disease. Therefore, it has been classified as a Variant of Uncertain Significance.

NM_139276.3(STAT3):c.1465-19A>G

Gene: STAT3 (signal transducer and activator of transcription 3; minus strand). Cytogenetic location: 17q21.2.
Variant type: single nucleotide variant.
Coding change: c.1465-19A>G on transcript NM_139276.3 (MANE Select); 19 bases into the intron before coding-DNA position 1465, A replaced by G.
Molecular consequence: intron variant.
Genome position (GRCh38, 1-based): chr17:42,324,865, T>C on the plus strand (A>G on the coding strand, the complement: STAT3 is on the minus strand). VCF-style: chr17-42324865-T-C. GRCh37 (hg19) VCF-style: chr17-40476883-T-C.
Other names: c.1369-19A>G (NM_001384989.1); c.1405-19A>G (NM_001384992.1); c.1381-19A>G (NM_001384984.1); c.1465-19A>G (NM_001369519.1, NM_003150.4, NM_001369517.1 and 10 more transcripts); c.1387-19A>G (NM_001384985.1); c.1465-40A>G (NM_001384987.1); c.1480-19A>G (NM_001384986.1, NM_001384990.1).
Identifiers: ClinVar variation 2936349 (VCV002936349.3), dbSNP rs200715116, ClinGen allele CA8575305.